The following is an entry in ClinVar:

ClinVar aggregate classification (germline): Likely benign. Review status: reviewed by expert panel (3 of 4 stars). 7 submissions from 7 submitters: Likely benign (1). 6 of the submissions do not count toward it. Last evaluated 2017-06-29.

Conditions:
Breast-ovarian cancer, familial, susceptibility to, 1 (BROVCA1). Also called: BRCA1 Hereditary Breast and Ovarian Cancer; OVARIAN CANCER, SUSCEPTIBILITY TO. Identifiers: Orphanet 145, MedGen C2676676, MONDO:0011450, OMIM 604370. Disease mechanism: loss of function.
Hereditary cancer-predisposing syndrome. Also called: Tumor predisposition; Hereditary Cancer Syndrome; Neoplastic Syndromes, Hereditary; Hereditary neoplastic syndrome. Identifiers: Orphanet 140162, MedGen C0027672, MeSH D009386, MONDO:0015356.
Hereditary breast ovarian cancer syndrome. Also called: Breast and ovarian cancer; Hereditary breast and ovarian cancer; Hereditary breast and ovarian cancer syndrome; Hereditary breast and/or ovarian cancer syndrome; BRCA1- and BRCA2-Associated Hereditary Breast and Ovarian Cancer; Hereditary breast and ovarian cancer syndrome (HBOC). Identifiers: Orphanet 145, MedGen C0677776, MeSH D061325, MONDO:0003582. Disease mechanism: loss of function.
BRCA1-related cancer predisposition. Identifiers: MedGen CN377757, MONDO:0700268.

Allele frequency attached by ClinVar (database versions not stated): gnomAD exomes below 0.00001 and 0.00001.
gnomAD v4.1: 8 of 1,614,052 alleles (0.0005%); highest among the groups gnomAD compares: Non-Finnish European, 0.00068%; no homozygotes.

Submissions (7):

Evidence-based Network for the Interpretation of Germline Mutant Alleles (ENIGMA)
Classification: Likely benign for Breast-ovarian cancer, familial, susceptibility to, 1. Last evaluated: 2017-06-29. Review status: reviewed by expert panel. Criteria: ENIGMA BRCA1/2 Classification Criteria (2017-06-29). Collection method: curation. Allele origin: germline.
Comment: Synonymous substitution variant, with low bioinformatic likelihood to result in a splicing aberration (Splicing prior probability 0.02).

Labcorp Genetics (formerly Invitae), Labcorp
Classification: Likely benign for Hereditary breast ovarian cancer syndrome. Last evaluated: 2025-03-27. Review status: criteria provided, single submitter. Criteria: Invitae Variant Classification Sherloc (09022015). Collection method: clinical testing. Allele origin: germline. Not counted in ClinVar's aggregate classification.

All of Us Research Program, National Institutes of Health
Classification: Likely benign for BRCA1-related cancer predisposition. Last evaluated: 2024-05-14. Review status: criteria provided, single submitter. Criteria: ACMG Guidelines, 2015. Collection method: clinical testing. Allele origin: germline. Inheritance: Autosomal dominant inheritance. Observed: 1 variant allele, 1 heterozygote. Not counted in ClinVar's aggregate classification.
Comment: This study involves interpretation of variants in research participants for the purpose of population health screening. Participant phenotype was not available at the time of variant classification. Additional details can be found in publication PMID: 35346344, PMCID: PMC8962531

Women's Health and Genetics/Laboratory Corporation of America, LabCorp
Classification: Likely benign. Last evaluated: 2019-08-21. Review status: criteria provided, single submitter. Criteria: LabCorp Variant Classification Summary - May 2015. Collection method: clinical testing. Allele origin: germline. Not counted in ClinVar's aggregate classification.

Color Diagnostics, LLC DBA Color Health
Classification: Likely benign for Hereditary cancer-predisposing syndrome. Last evaluated: 2018-03-15. Review status: criteria provided, single submitter. Criteria: ACMG Guidelines, 2015. Collection method: clinical testing. Allele origin: germline. Not counted in ClinVar's aggregate classification.

GeneDx
Classification: Likely benign. Last evaluated: 2017-11-27. Review status: criteria provided, single submitter. Criteria: GeneDx Variant Classification (06012015). Collection method: clinical testing. Allele origin: germline. Affected: yes. Not counted in ClinVar's aggregate classification.
Comment: This variant is considered likely benign or benign based on one or more of the following criteria: it is a conservative change, it occurs at a poorly conserved position in the protein, it is predicted to be benign by multiple in silico algorithms, and/or has population frequency not consistent with disease.

Ambry Genetics
Classification: Likely benign for Hereditary cancer-predisposing syndrome. Last evaluated: 2015-06-07. Review status: criteria provided, single submitter. Criteria: Ambry Variant Classification Scheme 2023. Collection method: clinical testing. Allele origin: germline. Not counted in ClinVar's aggregate classification.

NM_007294.4(BRCA1):c.1794A>G (p.Leu598=)

Gene: BRCA1 (BRCA1 DNA repair associated; minus strand). Cytogenetic location: 17q21.31.
Variant type: single nucleotide variant.
Coding change: c.1794A>G on transcript NM_007294.4 (MANE Select); coding-DNA position 1794, A replaced by G.
Protein change: p.Leu598=; no amino-acid change (leucine 598 retained).
Molecular consequence: synonymous variant. On other transcripts: intron variant (137).
Genome position (GRCh38, 1-based): chr17:43,093,737, T>C on the plus strand (A>G on the coding strand, the complement: BRCA1 is on the minus strand). VCF-style: chr17-43093737-T-C. GRCh37 (hg19) VCF-style: chr17-41245754-T-C.
Other names: c.1794A>G, p.Leu598= (NM_001407652.1, NM_001407684.1, NM_001407854.1 and 30 more transcripts); c.1716A>G, p.Leu572= (NM_001407653.1, NM_001407654.1, NM_001407655.1 and 4 more transcripts); c.1713A>G, p.Leu571= (NM_001407659.1, NM_001407660.1, NM_001407661.1 and 1 more transcripts); c.1671A>G, p.Leu557= (NM_001407664.1, NM_001407665.1, NM_001407666.1 and 19 more transcripts); c.1668A>G, p.Leu556= (NM_001407670.1, NM_001407671.1, NM_001407672.1 and 11 more transcripts); c.1653A>G, p.Leu551= (NM_001407692.1, NM_001407694.1, NM_001407695.1 and 29 more transcripts); c.1650A>G, p.Leu550= (NM_001407740.1, NM_001407741.1, NM_001407742.1 and 20 more transcripts); c.1581A>G, p.Leu527= (NM_001407853.1, NM_001407894.1, NM_001407895.1 and 9 more transcripts); and 40 more.
Identifiers: ClinVar variation 232242 (VCV000232242.22), dbSNP rs876659644, ClinGen allele CA10580649.